The following is an entry in ClinVar:

ClinVar aggregate classification (germline): Likely benign. Review status: criteria provided, single submitter (1 of 4 stars). 2 submissions from 2 submitters: Likely benign (1). 1 of the submissions does not count toward it. Last evaluated 2024-11-25.

Conditions:
F7-related disorder. Also called: F7-related condition.

Allele frequency attached by ClinVar (database versions not stated): gnomAD 0.00010; 1000 Genomes Project 0.00080.
gnomAD v4.1: 15 of 146,850 alleles (0.01%); highest among the groups gnomAD compares: Middle Eastern, 0.37%; no homozygotes.

Submissions (2):

Blueprint Genetics
Classification: Likely benign. Last evaluated: 2024-11-25. Review status: criteria provided, single submitter. Criteria: ACMG Guidelines, 2015. Collection method: clinical testing. Allele origin: germline.

PreventionGenetics, part of Exact Sciences
Classification: Likely benign for F7-related condition. Last evaluated: 2023-09-20. Review status: no assertion criteria provided. Collection method: clinical testing. Allele origin: germline. Not counted in ClinVar's aggregate classification.
Comment: This variant is classified as likely benign based on ACMG/AMP sequence variant interpretation guidelines (Richards et al. 2015 PMID: 25741868, with internal and published modifications).

NM_019616.4(F7):c.225+1061C>T

Gene: F7 (coagulation factor VII; plus strand). Cytogenetic location: 13q34.
Variant type: single nucleotide variant.
Coding change: c.225+1061C>T on transcript NM_019616.4 (MANE Select); 1061 bases into the intron after coding-DNA position 225, C replaced by T.
Molecular consequence: intron variant.
Genome position (GRCh38, 1-based): chr13:113,111,911, C>T. VCF-style: chr13-113111911-C-T. GRCh37 (hg19) VCF-style: chr13-113766225-C-T.
Other names: c.291+1061C>T (NM_000131.5); c.65-1936C>T (NM_001267554.2).
Identifiers: ClinVar variation 3029457 (VCV003029457.3), dbSNP rs536383093, ClinGen allele CA256457183.
Genomic context (GRCh38, chr13:113,111,911, plus strand): 5'-ACAGGGCACACTTCACACTCACGGGTCACCTCACACTCACAGGACACCTCACACTCAGGG[C>T]GCACTTCACACTCACGGGTCACCTCACACCCACAGGACACCTCACAGAGGTCACCTCACA-3'